The following is an entry in ClinVar:

NM_000169.3(GLA):c.991C>T (p.Leu331Phe)

Genes: GLA (galactosidase alpha; minus strand), RPL36A-HNRNPH2 (RPL36A-HNRNPH2 readthrough; plus strand). Cytogenetic location: Xq22.1.
Variant type: single nucleotide variant.
Coding change: c.991C>T on transcript NM_000169.3 (MANE Select); coding-DNA position 991, C replaced by T.
Protein change: p.Leu331Phe; replaces leucine 331 with phenylalanine.
Molecular consequence: missense variant. On other transcripts: non-coding transcript variant (3), intron variant (2).
Genome position (GRCh38, 1-based): chrX:101,398,378, G>A on the plus strand (C>T on the coding strand, the complement: GLA is on the minus strand). VCF-style: chrX-101398378-G-A. GRCh37 (hg19) VCF-style: chrX-100653366-G-A.
Other names: p.L331F:CTT>TTT; c.991C>T (NM_000169.2); c.1114C>T, p.Leu372Phe (NM_001406747.1); c.991C>T, p.Leu331Phe (NM_001406748.1); c.300+2921G>A (NM_001199973.2); c.177+6556G>A (NM_001199974.2); short protein forms L331F, L372F.
Identifiers: ClinVar variation 180828 (VCV000180828.17), dbSNP rs730880437, ClinGen allele CA022274.

ClinVar aggregate classification (germline): Conflicting classifications of pathogenicity. Review status: criteria provided, conflicting classifications (1 of 4 stars). 8 submissions from 8 submitters: Uncertain significance (7); Likely benign (1). Last evaluated 2026-01-21.

Conditions:
GLA-related disorder. Also called: GLA-related condition.
Cardiovascular phenotype. Identifiers: MedGen CN230736.
Fabry disease. Also called: Angiokeratoma corporis diffusum; Fabry's disease; ALPHA-GALACTOSIDASE A DEFICIENCY; ANDERSON-FABRY DISEASE; CERAMIDE TRIHEXOSIDASE DEFICIENCY; GLA DEFICIENCY. Identifiers: Orphanet 324, MedGen C0002986, MONDO:0010526, OMIM 301500, HP:0001071. Disease mechanism: Fabry disease is due to inactivating mutations in the X-linked GLA gene resulting in deficiency of the enzyme Alpha Galactosidase-A., loss of function.

Allele frequency attached by ClinVar (database versions not stated): gnomAD exomes 0.00001 and 0.00002; gnomAD 0.00002; ExAC 0.00003; TOPMed 0.00003.
gnomAD v4.1: 10 of 1,194,896 alleles (0.00084%); highest among the groups gnomAD compares: Non-Finnish European, 0.0011%; no homozygotes.

Submissions (8):

PreventionGenetics, part of Exact Sciences
Classification: Uncertain significance for GLA-related condition. Last evaluated: 2026-01-21. Review status: criteria provided, single submitter. Criteria: ACMG Guidelines, 2015. Collection method: clinical testing. Allele origin: germline.
Comment: The GLA c.991C>T variant is predicted to result in the amino acid substitution p.Leu331Phe. To our knowledge, this variant has not been reported in the literature. This variant is reported in 0.0037% of alleles in individuals of European (Non-Finnish) descent in gnomAD. At this time, the clinical significance of this variant is uncertain due to the absence of conclusive functional and genetic evidence.

Color Diagnostics, LLC DBA Color Health
Classification: Uncertain significance for Fabry disease. Last evaluated: 2025-11-10. Review status: criteria provided, single submitter. Criteria: ACMG Guidelines, 2015. Collection method: clinical testing. Allele origin: germline.
Comment: This missense variant replaces leucine with phenylalanine at codon 331 of the GLA protein. Computational prediction suggests that this variant may not impact protein structure and function. To our knowledge, functional studies have not been reported for this variant. This variant has not been reported in individuals affected with GLA-related disorders in the literature. This variant has been identified in 10/1194896 chromosomes in the general population by the Genome Aggregation Database (gnomAD). The available evidence is insufficient to determine the role of this variant in disease conclusively. Therefore, this variant is classified as a Variant of Uncertain Significance.

Labcorp Genetics (formerly Invitae), Labcorp
Classification: Uncertain significance for Fabry disease. Last evaluated: 2024-11-21. Review status: criteria provided, single submitter. Criteria: Invitae Variant Classification Sherloc (09022015). Collection method: clinical testing. Allele origin: germline.
Comment: This sequence change replaces leucine, which is neutral and non-polar, with phenylalanine, which is neutral and non-polar, at codon 331 of the GLA protein (p.Leu331Phe). This variant is present in population databases (rs730880437, gnomAD 0.004%). This variant has not been reported in the literature in individuals affected with GLA-related conditions. ClinVar contains an entry for this variant (Variation ID: 180828). Invitae Evidence Modeling of protein sequence and biophysical properties (such as structural, functional, and spatial information, amino acid conservation, physicochemical variation, residue mobility, and thermodynamic stability) indicates that this missense variant is not expected to disrupt GLA protein function with a negative predictive value of 80%. In summary, the available evidence is currently insufficient to determine the role of this variant in disease. Therefore, it has been classified as a Variant of Uncertain Significance.

Ambry Genetics
Classification: Uncertain significance for Cardiovascular phenotype. Last evaluated: 2023-09-07. Review status: criteria provided, single submitter. Criteria: Ambry Variant Classification Scheme 2023. Collection method: clinical testing. Allele origin: germline.
Comment: The p.L331F variant (also known as c.991C>T), located in coding exon 6 of the GLA gene, results from a C to T substitution at nucleotide position 991. The leucine at codon 331 is replaced by phenylalanine, an amino acid with highly similar properties. Based on data from gnomAD, the T allele has an overall frequency of 0.0016% (3/183424) total alleles studied, with no hemizygote(s) observed. The highest observed frequency was 0.0037% (3/81926 ) of European (non-Finnish) alleles. This amino acid position is not well conserved in available vertebrate species. In addition, this alteration is predicted to be tolerated by in silico analysis. Since supporting evidence is limited at this time, the clinical significance of this alteration remains unclear.

Genome-Nilou Lab
Classification: Uncertain significance for Fabry disease. Last evaluated: 2021-07-15. Review status: criteria provided, single submitter. Criteria: ACMG Guidelines, 2015. Collection method: clinical testing. Allele origin: germline. Affected: no.

Broad Center for Mendelian Genomics, Broad Institute of MIT and Harvard
Classification: Uncertain significance for Fabry disease. Last evaluated: 2020-01-22. Review status: criteria provided, single submitter. Criteria: ACMG Guidelines, 2015. Collection method: curation. Allele origin: germline. Inheritance: X-linked inheritance.
Comment: The p.Leu331Phe variant in GLA has not been previosuly reported in individuals with Fabry disease, but it has been identified in 0.0037% (3/81926) of European (non-Finnish) chromosomes by the Genome Aggregation Database (gnomAD; dbSNP rs730880437). Although this variant has been seen in the general population, its frequency is low enough to be consistent with Fabry disease. Please note that for diseases with clinical variability, or reduced penetrance, pathogenic variants may be present at a low frequency in the general population. This variant has been reported in ClinVar as likely benign by GeneDx and a VUS by the University of Washington Medical Center (ID: 180828). Computational prediction tools and conservation analyses do not provide strong support for or against an impact to the protein. This variant was detected in 1 unaffected individual in ClinVar, suggesting that this variant is not pathogenic for Fabry disease. In summary, the clinical significance of the p.Leu331Phe is uncertain. CMG/AMP Criteria applied: PM2_supporting, BS2_supporting (Richards 2015).

X-linked inheritance (primarily recessive with milder female expression)

CSER _CC_NCGL, University of Washington
Classification: Uncertain significance for Fabry disease. Last evaluated: 2016-10-01. Review status: criteria provided, single submitter. Criteria: Amendola et al. (Genome Res. 2015). Collection method: research. Allele origin: germline. Affected: no. Study: CSER - NEXT Medicine variant annotation.
Comment: This interpretation considers GERP score and allele frequency data, in addition to published reports of the variant in the literature, available at the time of review.

GeneDx
Classification: Likely benign. Last evaluated: 2014-03-28. Review status: criteria provided, single submitter. Criteria: GeneDx Variant Classification (06012015). Collection method: clinical testing. Allele origin: germline. Affected: yes.
Comment: This variant is considered likely benign or benign based on one or more of the following criteria: it is a conservative change, it occurs at a poorly conserved position in the protein, it is predicted to be benign by multiple in silico algorithms, and/or has population frequency not consistent with disease.